The following is an entry in ClinVar:

ClinVar aggregate classification (germline): Pathogenic (1 of 4 stars; one submission).

Conditions:
Charcot-Marie-Tooth disease type 4. Also called: Charcot-Marie-Tooth disease, type IV; Charcot-Marie-Tooth, Type 4. Identifiers: Orphanet 64749, MedGen C4082197, MONDO:0018995.

Submission:

Labcorp Genetics (formerly Invitae), Labcorp
Classification: Pathogenic for Charcot-Marie-Tooth disease type 4. Last evaluated: 2022-01-21. Review status: criteria provided, single submitter. Criteria: Invitae Variant Classification Sherloc (09022015). Collection method: clinical testing. Allele origin: germline.
Comment: For these reasons, this variant has been classified as Pathogenic. This variant has not been reported in the literature in individuals affected with FIG4-related conditions. This sequence change creates a premature translational stop signal (p.Gly513Aspfs*2) in the FIG4 gene. It is expected to result in an absent or disrupted protein product. Loss-of-function variants in FIG4 are known to be pathogenic (PMID: 23623387). This variant is not present in population databases (gnomAD no frequency).

Literature cited by the submitters: PubMed 23623387.

NM_014845.6(FIG4):c.1538del (p.Gly513fs)

Gene: FIG4 (FIG4 phosphoinositide 5-phosphatase; plus strand). Cytogenetic location: 6q21.
Variant type: Deletion.
Coding change: c.1538del on transcript NM_014845.6 (MANE Select); coding-DNA position 1538, one base deleted (G; older notation c.1538delG).
Protein change: p.Gly513fs; shifts the reading frame from glycine 513.
Molecular consequence: frameshift variant.
Genome position (GRCh38, 1-based): chr6:109,765,116, G deleted; the last of 3 consecutive G bases (chr6:109,765,114-109,765,116); deleting any one gives the same sequence. VCF-style (leftmost placement, unchanged base first): chr6-109765113-TG-T. GRCh37 (hg19) VCF-style: chr6-110086316-TG-T.
Other names: short protein forms G513fs.
Identifiers: ClinVar variation 1383668 (VCV001383668.6), dbSNP rs1777242231, ClinGen allele CA1093062239.